The following is an entry in ClinVar:

NM_004744.5(LRAT):c.477C>A (p.Asn159Lys)

Gene: LRAT (lecithin retinol acyltransferase; plus strand). Cytogenetic location: 4q32.1.
Variant type: single nucleotide variant.
Coding change: c.477C>A on transcript NM_004744.5 (MANE Select); coding-DNA position 477, C replaced by A.
Protein change: p.Asn159Lys; replaces asparagine 159 with lysine.
Molecular consequence: missense variant.
Genome position (GRCh38, 1-based): chr4:154,744,803, C>A. VCF-style: chr4-154744803-C-A. GRCh37 (hg19) VCF-style: chr4-155665955-C-A.
Other names: c.477C>A, p.Asn159Lys (NM_001301645.2); short protein forms N159K.
Identifiers: ClinVar variation 1387984 (VCV001387984.5), dbSNP rs753677274, ClinGen allele CA358630769.

ClinVar aggregate classification (germline): Uncertain significance (1 of 4 stars; one submission).

Submission:

Labcorp Genetics (formerly Invitae), Labcorp
Classification: Uncertain significance. Last evaluated: 2022-10-17. Review status: criteria provided, single submitter. Criteria: Invitae Variant Classification Sherloc (09022015). Collection method: clinical testing. Allele origin: germline.
Comment: This sequence change replaces asparagine, which is neutral and polar, with lysine, which is basic and polar, at codon 159 of the LRAT protein (p.Asn159Lys). This variant is not present in population databases (gnomAD no frequency). This variant has not been reported in the literature in individuals affected with LRAT-related conditions. ClinVar contains an entry for this variant (Variation ID: 1387984). Algorithms developed to predict the effect of missense changes on protein structure and function are either unavailable or do not agree on the potential impact of this missense change (SIFT: "Tolerated"; PolyPhen-2: "Probably Damaging"; Align-GVGD: "Class C0"). In summary, the available evidence is currently insufficient to determine the role of this variant in disease. Therefore, it has been classified as a Variant of Uncertain Significance.